The following is an entry in ClinVar:

NM_000155.4(GALT):c.[413C>T;469G>A]

Variant type: Haplotype.
Identifiers: ClinVar variation 1705146 (VCV001705146.1).

ClinVar aggregate classification (germline): Pathogenic (1 of 4 stars; one submission).

Conditions:
Deficiency of UDPglucose-hexose-1-phosphate uridylyltransferase. Also called: GALACTOSE-1-PHOSPHATE URIDYLYLTRANSFERASE DEFICIENCY; GALT deficiency; Galactosemia, classic; GALACTOSEMIA I; Transferase Deficiency Galactosemia. Identifiers: Orphanet 352, Orphanet 79239, MedGen C0268151, MONDO:0009258, OMIM 230400.

Submission:

Women's Health and Genetics/Laboratory Corporation of America, LabCorp
Classification: Pathogenic for Deficiency of UDPglucose-hexose-1-phosphate uridylyltransferase. Last evaluated: 2022-08-19. Review status: criteria provided, single submitter. Criteria: LabCorp Variant Classification Summary - May 2015. Collection method: clinical testing. Allele origin: germline.
Comment: Variant summary: GALT c.[413C>T;469G>A] (p.[Thr138Met;Val157Ile]) variant is a complex allele and involves the alteration of multiple nucleotides. The variant was absent in 251482 control chromosomes. These two variants have been reported in the literature in one individual affected with Galactosemia possibly in compound heterozygous state. However, c.413C>T is a known pathogenic variant. To our knowledge, no experimental evidence demonstrating an impact on protein function has been reported. No clinical diagnostic laboratories have submitted clinical-significance assessments for this variant to ClinVar after 2014. Based on the evidence outlined above, the variant was classified as pathogenic.

Literature cited by the submitters: PubMed 22743281.